The following is an entry in ClinVar:

NM_031900.4(AGXT2):c.348T>A (p.Val116=)

Gene: AGXT2 (alanine--glyoxylate aminotransferase 2; minus strand). Cytogenetic location: 5p13.2.
Variant type: single nucleotide variant.
Coding change: c.348T>A on transcript NM_031900.4 (MANE Select); coding-DNA position 348, T replaced by A.
Protein change: p.Val116=; no amino-acid change (valine 116 retained).
Molecular consequence: synonymous variant.
Genome position (GRCh38, 1-based): chr5:35,039,338, A>T on the plus strand (T>A on the coding strand, the complement: AGXT2 is on the minus strand). VCF-style: chr5-35039338-A-T. GRCh37 (hg19) VCF-style: chr5-35039443-A-T.
Other names: c.348T>A, p.Val116= (NM_001306173.2).
Identifiers: ClinVar variation 3388189 (VCV003388189.15).

ClinVar aggregate classification (germline): Likely benign. Review status: criteria provided, multiple submitters, no conflicts (2 of 4 stars). 2 submissions from 2 submitters: Likely benign (2). Last evaluated 2024-11-22.

gnomAD v4.1: 7,919 of 1,614,092 alleles (0.49%); highest among the groups gnomAD compares: Non-Finnish European, 0.58%; 35 homozygotes.

Submissions (2):

Blueprint Genetics
Classification: Likely benign. Last evaluated: 2024-11-22. Review status: criteria provided, single submitter. Criteria: ACMG Guidelines, 2015. Collection method: clinical testing. Allele origin: germline.

CeGaT Center for Human Genetics Tuebingen
Classification: Likely benign. Last evaluated: 2024-11-01. Review status: criteria provided, single submitter. Criteria: CeGaT Center For Human Genetics Tuebingen Variant Classification Criteria Version 2. Collection method: clinical testing. Allele origin: germline. Affected: yes. Observed: 1 variant allele.
Comment: AGXT2: BP4, BP7, BS2